The following is an entry in ClinVar:

NM_000038.6(APC):c.4009C>A (p.Leu1337Met)

Gene: APC (APC regulator of Wnt signaling pathway; plus strand). Cytogenetic location: 5q22.2.
Variant type: single nucleotide variant.
Coding change: c.4009C>A on transcript NM_000038.6 (MANE Select); coding-DNA position 4009, C replaced by A.
Protein change: p.Leu1337Met; replaces leucine 1337 with methionine.
Molecular consequence: missense variant.
Genome position (GRCh38, 1-based): chr5:112,839,603, C>A. VCF-style: chr5-112839603-C-A. GRCh37 (hg19) VCF-style: chr5-112175300-C-A.
Other names: c.4009C>A, p.Leu1337Met (NM_001127510.3, NM_001354895.2); c.3955C>A, p.Leu1319Met (NM_001127511.3); c.4063C>A, p.Leu1355Met (NM_001354896.2); c.4039C>A, p.Leu1347Met (NM_001354897.2); c.3934C>A, p.Leu1312Met (NM_001354898.2); c.3925C>A, p.Leu1309Met (NM_001354899.2); c.3886C>A, p.Leu1296Met (NM_001354900.2); c.3832C>A, p.Leu1278Met (NM_001354901.2); and 5 more; short protein forms L1319M, L1337M, L1054M, L1177M, L1211M, L1236M, L1312M, L1347M.
Identifiers: ClinVar variation 469946 (VCV000469946.18), dbSNP rs1554085448, ClinGen allele CA16030123.

ClinVar aggregate classification (germline): Uncertain significance. Review status: criteria provided, multiple submitters, no conflicts (2 of 4 stars). 3 submissions from 3 submitters: Uncertain significance (3). Last evaluated 2025-12-20.

Conditions:
Hereditary cancer-predisposing syndrome. Also called: Hereditary neoplastic syndrome; Neoplastic Syndromes, Hereditary; Tumor predisposition; Hereditary Cancer Syndrome. Identifiers: Orphanet 140162, MedGen C0027672, MeSH D009386, MONDO:0015356.
Familial adenomatous polyposis 1 (FAP1). Also called: POLYPOSIS, ADENOMATOUS INTESTINAL; FAMILIAL ADENOMATOUS POLYPOSIS 1, ATTENUATED. Identifiers: MedGen C2713442, MONDO:0021056, OMIM 175100. Disease mechanism: loss of function.

gnomAD v4.1: 1 of 1,614,174 alleles (0.000062%); highest among the groups gnomAD compares: Non-Finnish European, 0.000085%; no homozygotes.

Submissions (3):

Labcorp Genetics (formerly Invitae), Labcorp
Classification: Uncertain significance for Familial adenomatous polyposis 1. Last evaluated: 2025-12-20. Review status: criteria provided, single submitter. Criteria: Invitae Variant Classification Sherloc (09022015). Collection method: clinical testing. Allele origin: germline.
Comment: This sequence change replaces leucine, which is neutral and non-polar, with methionine, which is neutral and non-polar, at codon 1337 of the APC protein (p.Leu1337Met). This variant is not present in population databases (gnomAD no frequency). This variant has not been reported in the literature in individuals affected with APC-related conditions. ClinVar contains an entry for this variant (Variation ID: 469946). Invitae Evidence Modeling of protein sequence and biophysical properties (such as structural, functional, and spatial information, amino acid conservation, physicochemical variation, residue mobility, and thermodynamic stability) indicates that this missense variant is not expected to disrupt APC protein function with a negative predictive value of 95%. In summary, the available evidence is currently insufficient to determine the role of this variant in disease. Therefore, it has been classified as a Variant of Uncertain Significance.

Ambry Genetics
Classification: Uncertain significance for Hereditary cancer-predisposing syndrome. Last evaluated: 2024-04-04. Review status: criteria provided, single submitter. Criteria: Ambry Variant Classification Scheme 2023. Collection method: clinical testing. Allele origin: germline.
Comment: The p.L1337M variant (also known as c.4009C>A), located in coding exon 15 of the APC gene, results from a C to A substitution at nucleotide position 4009. The leucine at codon 1337 is replaced by methionine, an amino acid with highly similar properties. This amino acid position is well conserved in available vertebrate species. In addition, in silico predictors for this gene do not accurately predict pathogenicity. Since supporting evidence is limited at this time, the clinical significance of this alteration remains unclear.

Color Diagnostics, LLC DBA Color Health
Classification: Uncertain significance for Hereditary cancer-predisposing syndrome. Last evaluated: 2019-02-27. Review status: criteria provided, single submitter. Criteria: ACMG Guidelines, 2015. Collection method: clinical testing. Allele origin: germline.